The following is an entry in ClinVar:

ClinVar aggregate classification (germline): Uncertain significance (1 of 4 stars; one submission).

Conditions:
Spermatogenic failure 18. Identifiers: MedGen C4539783, MONDO:0054615, OMIM 617576.
Ciliary dyskinesia, primary, 37 (CILD37). Also called: CILIARY DYSKINESIA, PRIMARY, 37, WITH OR WITHOUT SITUS INVERSUS. Identifiers: MedGen C4539798, MONDO:0033204, OMIM 617577.

Allele frequency attached by ClinVar (database versions not stated): gnomAD 0.00001; gnomAD exomes 0.00001; TOPMed 0.00002.

Submission:

Labcorp Genetics (formerly Invitae), Labcorp
Classification: Uncertain significance for Ciliary dyskinesia, primary, 37; Spermatogenic failure 18. Last evaluated: 2022-05-31. Review status: criteria provided, single submitter. Criteria: Invitae Variant Classification Sherloc (09022015). Collection method: clinical testing. Allele origin: germline.
Comment: This sequence change replaces tyrosine, which is neutral and polar, with cysteine, which is neutral and slightly polar, at codon 1751 of the DNAH1 protein (p.Tyr1751Cys). This variant is present in population databases (no rsID available, gnomAD 0.007%). This variant has not been reported in the literature in individuals affected with DNAH1-related conditions. ClinVar contains an entry for this variant (Variation ID: 478458). Algorithms developed to predict the effect of missense changes on protein structure and function (SIFT, PolyPhen-2, Align-GVGD) all suggest that this variant is likely to be disruptive. Algorithms developed to predict the effect of sequence changes on RNA splicing suggest that this variant may create or strengthen a splice site. In summary, the available evidence is currently insufficient to determine the role of this variant in disease. Therefore, it has been classified as a Variant of Uncertain Significance.

NM_015512.5(DNAH1):c.5252A>G (p.Tyr1751Cys)

Gene: DNAH1 (dynein axonemal heavy chain 1; plus strand). Cytogenetic location: 3p21.1.
Variant type: single nucleotide variant.
Coding change: c.5252A>G on transcript NM_015512.5 (MANE Select); coding-DNA position 5252, A replaced by G.
Protein change: p.Tyr1751Cys; replaces tyrosine 1751 with cysteine.
Molecular consequence: missense variant.
Genome position (GRCh38, 1-based): chr3:52,364,645, A>G. VCF-style: chr3-52364645-A-G. GRCh37 (hg19) VCF-style: chr3-52398661-A-G.
Other names: short protein forms Y1751C.
Identifiers: ClinVar variation 478458 (VCV000478458.2), dbSNP rs1262767404, ClinGen allele CA353142509.